The following is an entry in ClinVar:

ClinVar aggregate classification (germline): Uncertain significance. Review status: criteria provided, multiple submitters, no conflicts (2 of 4 stars). 2 submissions from 2 submitters: Uncertain significance (2). Last evaluated 2024-02-14.

Conditions:
Neuropathy, hereditary sensory and autonomic, type 2A (HSAN2A). Also called: HSAN IIA; ACROOSTEOLYSIS, GIACCAI TYPE; ACROOSTEOLYSIS, NEUROGENIC; NEUROPATHY, HEREDITARY SENSORY, TYPE IIA; NEUROPATHY, PROGRESSIVE SENSORY, OF CHILDREN; WNK1-Related HSAN2 (HSAN2A). Identifiers: Orphanet 970, MedGen C2752089, MONDO:0024309, OMIM 201300.
Generalized epilepsy with febrile seizures plus, type 7 (GEFSP7). Also called: GEFS+, TYPE 7. Identifiers: Orphanet 36387, MedGen C2751778, MONDO:0013470, OMIM 613863.
Inborn genetic diseases. Identifiers: MedGen C0950123, MeSH D030342.

Allele frequency attached by ClinVar (database versions not stated): gnomAD exomes below 0.00001; TOPMed below 0.00001; gnomAD 0.00001; ExAC 0.00002.
gnomAD v4.1: 1 of 1,613,828 alleles (0.000062%); highest among the groups gnomAD compares: East Asian, 0.0022%; no homozygotes.

Submissions (2):

Labcorp Genetics (formerly Invitae), Labcorp
Classification: Uncertain significance for Neuropathy, hereditary sensory and autonomic, type 2A; Generalized epilepsy with febrile seizures plus, type 7. Last evaluated: 2024-02-14. Review status: criteria provided, single submitter. Criteria: Invitae Variant Classification Sherloc (09022015). Collection method: clinical testing. Allele origin: germline.
Comment: This sequence change replaces lysine, which is basic and polar, with glutamic acid, which is acidic and polar, at codon 1372 of the SCN9A protein (p.Lys1372Glu). This variant is present in population databases (rs746847417, gnomAD 0.01%). This variant has not been reported in the literature in individuals affected with SCN9A-related conditions. ClinVar contains an entry for this variant (Variation ID: 863903). Advanced modeling of protein sequence and biophysical properties (such as structural, functional, and spatial information, amino acid conservation, physicochemical variation, residue mobility, and thermodynamic stability) performed at Invitae indicates that this missense variant is not expected to disrupt SCN9A protein function with a negative predictive value of 95%. In summary, the available evidence is currently insufficient to determine the role of this variant in disease. Therefore, it has been classified as a Variant of Uncertain Significance.

Ambry Genetics
Classification: Uncertain significance for Inborn genetic diseases. Last evaluated: 2023-07-05. Review status: criteria provided, single submitter. Criteria: Ambry Variant Classification Scheme 2023. Collection method: clinical testing. Allele origin: germline.

NM_001365536.1(SCN9A):c.4147A>G (p.Lys1383Glu)

Genes: SCN1A-AS1 (SCN1A and SCN9A antisense RNA 1; plus strand), SCN9A (sodium voltage-gated channel alpha subunit 9; minus strand). Cytogenetic location: 2q24.3.
Variant type: single nucleotide variant.
Coding change: c.4147A>G on transcript NM_001365536.1 (MANE Select); coding-DNA position 4147, A replaced by G.
Protein change: p.Lys1383Glu; replaces lysine 1383 with glutamic acid.
Molecular consequence: missense variant.
Genome position (GRCh38, 1-based): chr2:166,228,750, T>C on the plus strand (A>G on the coding strand, the complement: SCN9A is on the minus strand). VCF-style: chr2-166228750-T-C. GRCh37 (hg19) VCF-style: chr2-167085260-T-C.
Other names: c.4114A>G, p.Lys1372Glu (NM_002977.4); short protein forms K1372E, K1383E.
Identifiers: ClinVar variation 863903 (VCV000863903.11), dbSNP rs746847417, ClinGen allele CA1943941.